The following is an entry in ClinVar:

NM_030773.4(TUBB1):c.997G>A (p.Val333Met)

Gene: TUBB1 (tubulin beta 1 class VI; plus strand). Cytogenetic location: 20q13.32.
Variant type: single nucleotide variant.
Coding change: c.997G>A on transcript NM_030773.4 (MANE Select); coding-DNA position 997, G replaced by A.
Protein change: p.Val333Met; replaces valine 333 with methionine.
Molecular consequence: missense variant.
Genome position (GRCh38, 1-based): chr20:59,024,424, G>A. VCF-style: chr20-59024424-G-A. GRCh37 (hg19) VCF-style: chr20-57599479-G-A.
Other names: short protein forms V333M.
Identifiers: ClinVar variation 2375937 (VCV002375937.8), dbSNP rs775146221, ClinGen allele CA9928636.

ClinVar aggregate classification (germline): Uncertain significance. Review status: criteria provided, multiple submitters, no conflicts (2 of 4 stars). 3 submissions from 3 submitters: Uncertain significance (3). Last evaluated 2024-12-16.

Conditions:
Macrothrombocytopenia, isolated, 1, autosomal dominant (MACTHC1). Also called: Autosomal dominant macrothrombocytopenia TUBB1-related. Identifiers: Orphanet 140957, MedGen C5676892, MONDO:0800047, OMIM 613112.
Inborn genetic diseases. Identifiers: MedGen C0950123, MeSH D030342.

Allele frequency attached by ClinVar (database versions not stated): gnomAD 0.00005; gnomAD exomes 0.00005; ExAC 0.00010; TOPMed 0.00010.
gnomAD v4.1: 75 of 1,614,080 alleles (0.0046%); highest among the groups gnomAD compares: East Asian, 0.02%; no homozygotes.

Submissions (3):

Labcorp Genetics (formerly Invitae), Labcorp
Classification: Uncertain significance. Last evaluated: 2024-12-16. Review status: criteria provided, single submitter. Criteria: Invitae Variant Classification Sherloc (09022015). Collection method: clinical testing. Allele origin: germline.
Comment: This sequence change replaces valine, which is neutral and non-polar, with methionine, which is neutral and non-polar, at codon 333 of the TUBB1 protein (p.Val333Met). This variant is present in population databases (rs775146221, gnomAD 0.04%), and has an allele count higher than expected for a pathogenic variant. This variant has not been reported in the literature in individuals affected with TUBB1-related conditions. ClinVar contains an entry for this variant (Variation ID: 2375937). Invitae Evidence Modeling of protein sequence and biophysical properties (such as structural, functional, and spatial information, amino acid conservation, physicochemical variation, residue mobility, and thermodynamic stability) indicates that this missense variant is not expected to disrupt TUBB1 protein function with a negative predictive value of 80%. In summary, the available evidence is currently insufficient to determine the role of this variant in disease. Therefore, it has been classified as a Variant of Uncertain Significance.

Ambry Genetics
Classification: Uncertain significance for Inborn genetic diseases. Last evaluated: 2022-07-21. Review status: criteria provided, single submitter. Criteria: Ambry Variant Classification Scheme 2023. Collection method: clinical testing. Allele origin: germline.

Revvity Omics, Revvity
Classification: Uncertain significance for Macrothrombocytopenia, isolated, 1, autosomal dominant. Last evaluated: 2020-09-10. Review status: criteria provided, single submitter. Criteria: ACMG Guidelines, 2015. Collection method: clinical testing. Allele origin: germline.